The following is an entry in ClinVar:

NM_001135147.1(SLC39A8):c.1267-4G>C

Gene: SLC39A8 (solute carrier family 39 member 8; minus strand). Cytogenetic location: 4q24.
Variant type: single nucleotide variant.
Coding change: c.1267-4G>C on transcript NM_001135147.1; 4 bases into the intron before coding-DNA position 1267, G replaced by C.
Molecular consequence: intron variant.
Genome position (GRCh38, 1-based): chr4:102,259,518, C>G on the plus strand (G>C on the coding strand, the complement: SLC39A8 is on the minus strand). VCF-style: chr4-102259518-C-G. GRCh37 (hg19) VCF-style: chr4-103180675-C-G.
Identifiers: ClinVar variation 3051072 (VCV003051072.3), dbSNP rs190904608, ClinGen allele CA3025446.

ClinVar aggregate classification (germline): Likely benign. Review status: criteria provided, single submitter (1 of 4 stars). 2 submissions from 2 submitters: Likely benign (1). 1 of the submissions does not count toward it. Last evaluated 2024-10-02.

Conditions:
SLC39A8-related disorder. Also called: SLC39A8-related condition.

Allele frequency attached by ClinVar (database versions not stated): ExAC 0.00020; TOPMed 0.00070; 1000 Genomes Project 0.00020; gnomAD 0.00059; 1000 Genomes Project 30x 0.00016.
gnomAD v4.1: 151 of 1,537,666 alleles (0.0098%); highest among the groups gnomAD compares: African/African-American, 0.19%; no homozygotes.

Submissions (2):

Blueprint Genetics
Classification: Likely benign. Last evaluated: 2024-10-02. Review status: criteria provided, single submitter. Criteria: ACMG Guidelines, 2015. Collection method: clinical testing. Allele origin: germline.

PreventionGenetics, part of Exact Sciences
Classification: Likely benign for SLC39A8-related condition. Last evaluated: 2020-03-03. Review status: no assertion criteria provided. Collection method: clinical testing. Allele origin: germline. Not counted in ClinVar's aggregate classification.
Comment: This variant is classified as likely benign based on ACMG/AMP sequence variant interpretation guidelines (Richards et al. 2015 PMID: 25741868, with internal and published modifications).